The following is an entry in ClinVar:

NM_025114.4(CEP290):c.97_102+7del

Gene: CEP290 (centrosomal protein 290; minus strand). Cytogenetic location: 12q21.32.
Variant type: Deletion.
Coding change: c.97_102+7del on transcript NM_025114.4 (MANE Select); coding-DNA position 97 through 7 bases into the intron after coding-DNA position 102, 13 bases deleted (TCCAAGGTGCTTA).
Molecular consequence: splice donor variant.
Genome position (GRCh38, 1-based): chr12:88,141,199-88,141,211, TAAGCACCTTGGA deleted on the plus strand (TCCAAGGTGCTTA on the coding strand, the reverse complement: CEP290 is on the minus strand); deleting any 13 consecutive bases within chr12:88,141,199-88,141,215 gives the same sequence; the c. name uses the placement nearest the transcript's 3' end. VCF-style (leftmost placement, unchanged base first): chr12-88141198-TTAAGCACCTTGGA-T. GRCh37 (hg19) VCF-style: chr12-88534975-TTAAGCACCTTGGA-T.
Identifiers: ClinVar variation 4816242 (VCV004816242.1).

ClinVar aggregate classification (germline): Likely pathogenic (1 of 4 stars; one submission).

Conditions:
Leber congenital amaurosis (LCA). Also called: Leber's amaurosis. Identifiers: Orphanet 65, MedGen C0339527, MeSH D057130, MONDO:0018998.

Submission:

Natera, Inc.
Classification: Likely pathogenic for Leber congenital amaurosis. Last evaluated: 2024-11-09. Review status: criteria provided, single submitter. Criteria: Natera Variant Classification Schema (03/2026). Collection method: clinical testing. Allele origin: germline.
Comment: The c.97_102+7del variant in CEP290 is a frameshift variant predicted to shift the reading frame and introduce a stop codon. This variant is expected to result in nonsense mediated decay, truncation, or a dysfunctional protein product. This variant is rare in the general population with a frequency below the threshold expected for the associated phenotype(s). Given the available evidence, this variant is classified as Likely Pathogenic.